The following is an entry in ClinVar:

NM_133433.4(NIPBL):c.8326del (p.Ile2776fs)

Gene: NIPBL (NIPBL cohesin loading factor; plus strand). Cytogenetic location: 5p13.2.
Variant type: Deletion.
Coding change: c.8326del on transcript NM_133433.4 (MANE Select); coding-DNA position 8326, one base deleted (A; older notation c.8326delA).
Protein change: p.Ile2776fs; shifts the reading frame from isoleucine 2776.
Molecular consequence: frameshift variant. On other transcripts: 3 prime UTR variant (1).
Genome position (GRCh38, 1-based): chr5:37,064,803, A deleted; the last of 7 consecutive A bases (chr5:37,064,797-37,064,803); deleting any one gives the same sequence. VCF-style (leftmost placement, unchanged base first): chr5-37064796-CA-C. GRCh37 (hg19) VCF-style: chr5-37064898-CA-C.
Other names: c.*780del (NM_015384.5); short protein forms I2776fs.
Identifiers: ClinVar variation 1076024 (VCV001076024.7), dbSNP rs1157335847, ClinGen allele CA444096591.
Genomic context (GRCh38, chr5:37,064,796, plus strand): 5'-CCGTGATGGCCGCAAACTGGTGCCTTGGGTAGACACTATTAAAGAGTCAGACATTATTTA[CA>C]AAAAAATTGCTCTAACGAGTGCTAATAAGCTGACTAATAAAGTTGTTCAGACTTTACGAT-3'

ClinVar aggregate classification (germline): Pathogenic (1 of 4 stars; one submission).

Conditions:
Cornelia de Lange syndrome 1 (CDLS1). Also called: TYPUS DEGENERATIVUS AMSTELODAMENSIS; Brachmann de Lange syndrome; NIPBL-Related Cornelia de Lange Syndrome. Identifiers: Orphanet 199, MedGen C4551851, MONDO:0007387, OMIM 122470.

Submission:

Labcorp Genetics (formerly Invitae), Labcorp
Classification: Pathogenic for Cornelia de Lange syndrome 1. Last evaluated: 2021-07-15. Review status: criteria provided, single submitter. Criteria: Invitae Variant Classification Sherloc (09022015). Collection method: clinical testing. Allele origin: germline.
Comment: This variant disrupts a region of the NIPBL protein in which other variant(s) (p.Leu2778*) have been determined to be pathogenic (Invitae). This suggests that this is a clinically significant region of the protein, and that variants that disrupt it are likely to be disease-causing. This sequence change creates a premature translational stop signal (p.Ile2776Leufs*3) in the NIPBL gene. While this is not anticipated to result in nonsense mediated decay, it is expected to disrupt the last 29 amino acid(s) of the NIPBL protein. This variant is not present in population databases (ExAC no frequency). This variant has not been reported in the literature in individuals affected with NIPBL-related conditions. ClinVar contains an entry for this variant (Variation ID: 1076024). For these reasons, this variant has been classified as Pathogenic.